The following is an entry in ClinVar:

ClinVar aggregate classification (germline): Likely pathogenic. Review status: criteria provided, multiple submitters, no conflicts (2 of 4 stars). 5 submissions from 5 submitters: Likely pathogenic (5). Last evaluated 2025-11-05.

Conditions:
Renal cysts and diabetes syndrome (RCAD). Also called: Familial hypoplastic, glomerulocystic kidney; MATURITY-ONSET DIABETES OF THE YOUNG, TYPE 5. Identifiers: Orphanet 93111, MedGen C0431693, MONDO:0007669, OMIM 137920.

Submissions (5):

Variantyx, Inc.
Classification: Likely pathogenic for Renal cysts and diabetes syndrome. Last evaluated: 2025-11-05. Review status: criteria provided, single submitter. Criteria: Variantyx Assertion Criteria 2022. Collection method: clinical testing. Allele origin: germline. Inheritance: Autosomal dominant inheritance. Affected: yes.
Comment: This is a nonsynonymous variant in the HNF1B gene (OMIM: 189907). Pathogenic variants in this gene have been associated with autosomal dominant renal cysts and diabetes syndrome. This variant has been reported in at least one affected individual (PMID: 15930087;25700310) (PS4). Functional studies have shown that this variant alters HNF1B protein function (PMID: 17924661) (PS3_Moderate). and multiple computational algorithms predict a deleterious effect for this variant (REVEL score: 0.903) (PP3). This variant lies within a known hotspot for pathogenic variants or a well-established critical functional domain of the HNF1B protein (PMID: 17924661) (PM1), while it is absent from control populations (PM2). Based on the current evidence, this variant is classified as likely pathogenic for autosomal dominant renal cysts and diabetes syndrome.This variant was reported by previous genetic testing.

GeneDx
Classification: Likely pathogenic. Last evaluated: 2023-03-21. Review status: criteria provided, single submitter. Criteria: GeneDx Variant Classification Process June 2021. Collection method: clinical testing. Allele origin: germline. Affected: yes.
Comment: Not observed at significant frequency in large population cohorts (gnomAD); In silico analysis supports that this missense variant has a deleterious effect on protein structure/function; This variant is associated with the following publications: (PMID: 15509593, 30754209, 25700310, 33532864, 17924661, 15068978, 15930087)

Molecular Biology Laboratory, Fundació Puigvert
Classification: Likely pathogenic for Renal cysts and diabetes syndrome. Last evaluated: 2020-02-01. Review status: criteria provided, single submitter. Criteria: ACMG Guidelines, 2015. Collection method: research. Allele origin: germline. Affected: yes. Study: KidneyPanel_2020.

Institute of Human Genetics, FAU Erlangen, Friedrich-Alexander-Universität Erlangen-Nürnberg
Classification: Likely pathogenic for Renal cysts and diabetes syndrome. Last evaluated: 2019-07-06. Review status: criteria provided, single submitter. Criteria: ACMG Guidelines, 2015. Collection method: literature only. Allele origin: germline. Affected: yes.
Comment: This variant and it's classification has been reported by Vasileiou et al. 2019; DOI:10.1101/576918. The variants has previously been reported in PMID:25700310; PMID:15930087 as "c.884G>C, c.1078G>C" with clinical significance Pathogenic. It has been re-classified using InterVar and manual curation as Likely pathogenic based on PM1 PM2 PP1 PP3 PP5.

Molecular Diagnostics Laboratory, M Health Fairview: University of Minnesota
Classification: Likely pathogenic for Renal cysts and diabetes syndrome. Last evaluated: 2019-05-29. Review status: criteria provided, single submitter. Criteria: ACMG Guidelines, 2015. Collection method: clinical testing. Allele origin: germline. Affected: yes. Observed: 1 variant allele.

Literature cited by the submitters: PubMed 17924661 (cited by Variantyx, Inc. and Molecular Diagnostics Laboratory, M Health Fairview: University of Minnesota); PubMed 15930087 (cited by 3 submitters); PubMed 25700310 (cited by Variantyx, Inc. and Institute of Human Genetics, FAU Erlangen, Friedrich-Alexander-Universität Erlangen-Nürnberg); PubMed 33532864 (cited by Molecular Biology Laboratory, Fundació Puigvert); DOI 10.1101/576918 (cited by Institute of Human Genetics, FAU Erlangen, Friedrich-Alexander-Universität Erlangen-Nürnberg); PubMed 15509593 (cited by Molecular Diagnostics Laboratory, M Health Fairview: University of Minnesota); PubMed 15068978 (cited by Molecular Diagnostics Laboratory, M Health Fairview: University of Minnesota).

NM_000458.4(HNF1B):c.884G>C (p.Arg295Pro)

Gene: HNF1B (HNF1 homeobox B; minus strand). Cytogenetic location: 17q12.
Variant type: single nucleotide variant.
Coding change: c.884G>C on transcript NM_000458.4 (MANE Select); coding-DNA position 884, G replaced by C.
Protein change: p.Arg295Pro; replaces arginine 295 with proline.
Molecular consequence: missense variant.
Genome position (GRCh38, 1-based): chr17:37,731,756, C>G on the plus strand (G>C on the coding strand, the complement: HNF1B is on the minus strand). VCF-style: chr17-37731756-C-G. GRCh37 (hg19) VCF-style: chr17-36091747-C-G.
Other names: c.806G>C, p.Arg269Pro (NM_001165923.4, NM_001304286.2); short protein forms R295P, R269P.
Identifiers: ClinVar variation 635630 (VCV000635630.7), dbSNP rs886043813, ClinGen allele CA398746848.